The following is an entry in ClinVar:

ClinVar aggregate classification (germline): Uncertain significance. Review status: criteria provided, multiple submitters, no conflicts (2 of 4 stars). 5 submissions from 5 submitters: Uncertain significance (5). Last evaluated 2025-10-21.

Conditions:
AXIN2-related disorder.
Colorectal cancer. Also called: Colorectal cancer, somatic; Malignant Colorectal Neoplasm. Identifiers: MedGen C0346629, MONDO:0005575, OMIM 114500.
Hereditary cancer-predisposing syndrome. Also called: Neoplastic Syndromes, Hereditary; Tumor predisposition; Hereditary Cancer Syndrome; Hereditary neoplastic syndrome. Identifiers: Orphanet 140162, MedGen C0027672, MeSH D009386, MONDO:0015356.
Oligodontia-cancer predisposition syndrome. Also called: TOOTH AGENESIS-COLORECTAL CANCER SYNDROME. Identifiers: Orphanet 300576, MedGen C1837750, MONDO:0012075, OMIM 608615. Disease mechanism: loss of function.

Allele frequency attached by ClinVar (database versions not stated): ExAC 0.00001; gnomAD exomes 0.00001.
gnomAD v4.1: 4 of 1,614,186 alleles (0.00025%); highest among the groups gnomAD compares: African/African-American, 0.0013%; no homozygotes.

Submissions (5):

Labcorp Genetics (formerly Invitae), Labcorp
Classification: Uncertain significance for Oligodontia-cancer predisposition syndrome. Last evaluated: 2025-10-21. Review status: criteria provided, single submitter. Criteria: Invitae Variant Classification Sherloc (09022015). Collection method: clinical testing. Allele origin: germline.
Comment: This sequence change replaces threonine, which is neutral and polar, with isoleucine, which is neutral and non-polar, at codon 235 of the AXIN2 protein (p.Thr235Ile). This variant is present in population databases (rs776333136, gnomAD 0.007%). This variant has not been reported in the literature in individuals affected with AXIN2-related conditions. ClinVar contains an entry for this variant (Variation ID: 408847). Invitae Evidence Modeling of protein sequence and biophysical properties (such as structural, functional, and spatial information, amino acid conservation, physicochemical variation, residue mobility, and thermodynamic stability) indicates that this missense variant is not expected to disrupt AXIN2 protein function with a negative predictive value of 80%. In summary, the available evidence is currently insufficient to determine the role of this variant in disease. Therefore, it has been classified as a Variant of Uncertain Significance.

PreventionGenetics, part of Exact Sciences
Classification: Uncertain significance for AXIN2-related condition. Last evaluated: 2025-06-20. Review status: criteria provided, single submitter. Criteria: ACMG Guidelines, 2015. Collection method: clinical testing. Allele origin: germline.
Comment: The AXIN2 c.704C>T variant is predicted to result in the amino acid substitution p.Thr235Ile. To our knowledge, this variant has not been reported in individuals with AXIN2-related disease. This variant is reported in 0.0062% of alleles in individuals of African descent in gnomAD. This variant has an interpretation of uncertain significance in ClinVar. At this time, the clinical significance of this variant is uncertain due to the absence of conclusive functional and genetic evidence.

Ambry Genetics
Classification: Uncertain significance for Hereditary cancer-predisposing syndrome. Last evaluated: 2024-11-25. Review status: criteria provided, single submitter. Criteria: Ambry Variant Classification Scheme 2023. Collection method: clinical testing. Allele origin: germline.
Comment: The p.T235I variant (also known as c.704C>T), located in coding exon 1 of the AXIN2 gene, results from a C to T substitution at nucleotide position 704. The threonine at codon 235 is replaced by isoleucine, an amino acid with similar properties. This alteration was identified in 1/1358 non-cancer control individuals and in 0/57 cases, in a study looking at cancer predisposition mutations in patients with cutaneous melanoma and a history of at least two additional non-cutaneous melanoma primary cancers (Pritchard AL et al. PLoS One, 2018 Apr;13:e0194098). This amino acid position is not well conserved in available vertebrate species. In addition, this alteration is predicted to be tolerated by in silico analysis. Since supporting evidence is limited at this time, the clinical significance of this alteration remains unclear.

Quest Diagnostics Nichols Institute San Juan Capistrano
Classification: Uncertain significance. Last evaluated: 2024-05-27. Review status: criteria provided, single submitter. Criteria: Quest Diagnostics criteria. Collection method: clinical testing. Allele origin: unknown.
Comment: The AXIN2 c.704C>T (p.Thr235Ile) variant has been reported in the published literature in a reportedly healthy individual (PMID: 29641532 (2018)). The frequency of this variant in the general population, 0.000008 (2/251452 chromosomes (Genome Aggregation Database)), is uninformative in the assessment of its pathogenicity. Analysis of this variant using bioinformatics tools for the prediction of the effect of amino acid changes on protein structure and function yielded predictions that this variant is benign. Based on the available information, we are unable to determine the clinical significance of this variant.

Baylor Genetics
Classification: Uncertain significance for Colorectal cancer. Last evaluated: 2023-12-05. Review status: criteria provided, single submitter. Criteria: ACMG Guidelines, 2015. Collection method: clinical testing. Allele origin: unknown.

Literature cited by the submitters: PubMed 29641532 (cited by Ambry Genetics and Quest Diagnostics Nichols Institute San Juan Capistrano).

NM_004655.4(AXIN2):c.704C>T (p.Thr235Ile)

Gene: AXIN2 (axin 2; minus strand). Cytogenetic location: 17q24.1.
Variant type: single nucleotide variant.
Coding change: c.704C>T on transcript NM_004655.4 (MANE Select); coding-DNA position 704, C replaced by T.
Protein change: p.Thr235Ile; replaces threonine 235 with isoleucine.
Molecular consequence: missense variant.
Genome position (GRCh38, 1-based): chr17:65,557,917, G>A on the plus strand (C>T on the coding strand, the complement: AXIN2 is on the minus strand). VCF-style: chr17-65557917-G-A. GRCh37 (hg19) VCF-style: chr17-63554035-G-A.
Other names: c.704C>T, p.Thr235Ile (NM_001363813.1); c.704C>T (LRG_296t1); short protein forms T235I.
Identifiers: ClinVar variation 408847 (VCV000408847.15), dbSNP rs776333136, ClinGen allele CA8719007.